The following is an entry in ClinVar:

ClinVar aggregate classification (germline): Pathogenic (1 of 4 stars; one submission).

Conditions:
Gorlin syndrome. Also called: Nevoid Basal Cell Carcinoma Syndrome; Basal cell nevus syndrome. Identifiers: Orphanet 377, MedGen C0004779, MONDO:0007187.

Submission:

Labcorp Genetics (formerly Invitae), Labcorp
Classification: Pathogenic for Gorlin syndrome. Last evaluated: 2022-07-25. Review status: criteria provided, single submitter. Criteria: Invitae Variant Classification Sherloc (09022015). Collection method: clinical testing. Allele origin: germline.
Comment: For these reasons, this variant has been classified as Pathogenic. A similar copy number variant has been observed in individual(s) with basal cell nevus syndrome (Invitae). This variant is a gross deletion of the genomic region encompassing exon(s) 1-12 of the PTCH1 gene, which includes the initiator codon. This deletion extends beyond the assayed region for this gene and therefore may encompass additional genes. It is expected to result in an absent or disrupted protein product. Loss-of-function variants in PTCH1 are known to be pathogenic (PMID: 16301862, 16419085).

Literature cited by the submitters: PubMed 16301862; PubMed 16419085.

NC_000009.11:g.(?_98238306)_(98279100_?)del

Gene: PTCH1 (patched 1; minus strand). Cytogenetic location: 9q22.32.
Variant type: Deletion.
Identifiers: ClinVar variation 1460396 (VCV001460396.10).